The following is an entry in ClinVar:

NM_015378.4(VPS13D):c.11214G>A (p.Leu3738=)

Gene: VPS13D (vacuolar protein sorting 13 homolog D; plus strand). Cytogenetic location: 1p36.22.
Variant type: single nucleotide variant.
Coding change: c.11214G>A on transcript NM_015378.4 (MANE Select); coding-DNA position 11214, G replaced by A.
Protein change: p.Leu3738=; no amino-acid change (leucine 3738 retained).
Molecular consequence: synonymous variant.
Genome position (GRCh38, 1-based): chr1:12,382,999, G>A. VCF-style: chr1-12382999-G-A. GRCh37 (hg19) VCF-style: chr1-12443058-G-A.
Other names: c.11139G>A, p.Leu3713= (NM_018156.4).
Identifiers: ClinVar variation 2638254 (VCV002638254.24), dbSNP rs1055368716, ClinGen allele CA18072474.

ClinVar aggregate classification (germline): Likely benign (1 of 4 stars; one submission).

gnomAD v4.1: 41 of 1,613,902 alleles (0.0025%); highest among the groups gnomAD compares: Non-Finnish European, 0.001%; no homozygotes.

Submission:

CeGaT Center for Human Genetics Tuebingen
Classification: Likely benign. Last evaluated: 2022-06-01. Review status: criteria provided, single submitter. Criteria: CeGaT Center For Human Genetics Tuebingen Variant Classification Criteria Version 2. Collection method: clinical testing. Allele origin: germline. Affected: yes. Observed: 1 variant allele.
Comment: VPS13D: BP4, BP7